The following is an entry in ClinVar:

NM_001903.5(CTNNA1):c.1572C>G (p.Asn524Lys)

Gene: CTNNA1 (catenin alpha 1; plus strand). Cytogenetic location: 5q31.2.
Variant type: single nucleotide variant.
Coding change: c.1572C>G on transcript NM_001903.5 (MANE Select); coding-DNA position 1572, C replaced by G.
Protein change: p.Asn524Lys; replaces asparagine 524 with lysine.
Molecular consequence: missense variant.
Genome position (GRCh38, 1-based): chr5:138,924,535, C>G. VCF-style: chr5-138924535-C-G. GRCh37 (hg19) VCF-style: chr5-138260224-C-G.
Other names: c.1572C>G, p.Asn524Lys (NM_001290307.3, NM_001323982.2, NM_001323983.1 and 2 more transcripts); c.1263C>G, p.Asn421Lys (NM_001290309.3); c.1203C>G, p.Asn401Lys (NM_001290310.3); c.462C>G, p.Asn154Lys (NM_001290312.1, NM_001323987.1, NM_001323988.1 and 17 more transcripts); c.1479C>G, p.Asn493Lys (NM_001323986.2); c.123C>G, p.Asn41Lys (NM_001324006.1, NM_001324007.1, NM_001324008.1 and 2 more transcripts); c.369C>G, p.Asn123Lys (NM_001324011.1); c.219C>G, p.Asn73Lys (NM_001324012.1, NM_001324013.1); short protein forms N524K, N154K, N421K, N493K, N123K, N401K, N41K, N73K.
Identifiers: ClinVar variation 1775526 (VCV001775526.2), dbSNP rs2533707455, ClinGen allele CA361131732.

ClinVar aggregate classification (germline): Uncertain significance (1 of 4 stars; one submission).

Conditions:
Hereditary cancer-predisposing syndrome. Also called: Neoplastic Syndromes, Hereditary; Tumor predisposition; Hereditary Cancer Syndrome; Hereditary neoplastic syndrome. Identifiers: Orphanet 140162, MedGen C0027672, MeSH D009386, MONDO:0015356.

Submission:

Ambry Genetics
Classification: Uncertain significance for Hereditary cancer-predisposing syndrome. Last evaluated: 2021-07-20. Review status: criteria provided, single submitter. Criteria: Ambry Variant Classification Scheme 2023. Collection method: clinical testing. Allele origin: germline.
Comment: The p.N524K variant (also known as c.1572C>G), located in coding exon 11 of the CTNNA1 gene, results from a C to G substitution at nucleotide position 1572. The asparagine at codon 524 is replaced by lysine, an amino acid with similar properties. This amino acid position is conserved. In addition, this alteration is predicted to be tolerated by in silico analysis. Since supporting evidence is limited at this time, the clinical significance of this alteration remains unclear.